The following is an entry in ClinVar:

NM_014629.4(ARHGEF10):c.962T>G (p.Met321Arg)

Gene: ARHGEF10 (Rho guanine nucleotide exchange factor 10; plus strand). Cytogenetic location: 8p23.3.
Variant type: single nucleotide variant.
Coding change: c.962T>G on transcript NM_014629.4 (MANE Select); coding-DNA position 962, T replaced by G.
Protein change: p.Met321Arg; replaces methionine 321 with arginine.
Molecular consequence: missense variant.
Genome position (GRCh38, 1-based): chr8:1,882,636, T>G. VCF-style: chr8-1882636-T-G. GRCh37 (hg19) VCF-style: chr8-1830802-T-G.
Other names: c.848T>G, p.Met283Arg (NM_001308152.2); c.965T>G, p.Met322Arg (NM_001308153.3); short protein forms M321R, M283R, M346R, M322R.
Identifiers: ClinVar variation 1375213 (VCV001375213.8), dbSNP rs199514264, ClinGen allele CA4600154.
Genomic context (GRCh38, chr8:1,882,636, plus strand): 5'-TGAAAGTCGCAGGTGGGTTCTGCCGCCGTCCCGTTCTCACATCTCCCTCTCCGTCGCAGA[T>G]GCAGAAGCTCGTGAAGGCCGCGAAGGACGGCACCAAGGACGGGCTGGAGAGGACCAGGGC-3'
Protein context (NP_055444.2, residues 311-331): QQLRQKHELK[Met321Arg]QKLVKAAKDG

ClinVar aggregate classification (germline): Uncertain significance (1 of 4 stars; one submission).

Allele frequency attached by ClinVar (database versions not stated): gnomAD 0.00001 and 0.00002; gnomAD exomes 0.00001 and 0.00002; TOPMed 0.00001; ExAC 0.00005.
gnomAD v4.1: 17 of 1,552,722 alleles (0.0011%); highest among the groups gnomAD compares: Middle Eastern, 0.017%; no homozygotes.

Submission:

Labcorp Genetics (formerly Invitae), Labcorp
Classification: Uncertain significance. Last evaluated: 2021-08-12. Review status: criteria provided, single submitter. Criteria: Invitae Variant Classification Sherloc (09022015). Collection method: clinical testing. Allele origin: germline.
Comment: This sequence change replaces methionine with arginine at codon 321 of the ARHGEF10 protein (p.Met321Arg). The methionine residue is moderately conserved and there is a moderate physicochemical difference between methionine and arginine. This variant is present in population databases (rs199514264, ExAC 0.01%). This variant has not been reported in the literature in individuals with ARHGEF10-related conditions. Algorithms developed to predict the effect of missense changes on protein structure and function are either unavailable or do not agree on the potential impact of this missense change (SIFT: "Tolerated"; PolyPhen-2: "Probably Damaging"; Align-GVGD: "Class C0"). In summary, the available evidence is currently insufficient to determine the role of this variant in disease. Therefore, it has been classified as a Variant of Uncertain Significance.